The following is an entry in ClinVar:

NM_006005.3(WFS1):c.2627A>G (p.Lys876Arg)

Gene: WFS1 (wolframin ER transmembrane glycoprotein; plus strand). Cytogenetic location: 4p16.1.
Variant type: single nucleotide variant.
Coding change: c.2627A>G on transcript NM_006005.3 (MANE Select); coding-DNA position 2627, A replaced by G.
Protein change: p.Lys876Arg; replaces lysine 876 with arginine.
Molecular consequence: missense variant.
Genome position (GRCh38, 1-based): chr4:6,302,422, A>G. VCF-style: chr4-6302422-A-G. GRCh37 (hg19) VCF-style: chr4-6304149-A-G.
Other names: c.2627A>G, p.Lys876Arg (NM_001145853.1); short protein forms K876R.
Identifiers: ClinVar variation 2747270 (VCV002747270.3), dbSNP rs144900514, ClinGen allele CA2839812.

ClinVar aggregate classification (germline): Uncertain significance (1 of 4 stars; one submission).

gnomAD v4.1: 5 of 1,613,112 alleles (0.00031%); highest among the groups gnomAD compares: African/African-American, 0.0067%; no homozygotes.

Submission:

Labcorp Genetics (formerly Invitae), Labcorp
Classification: Uncertain significance. Last evaluated: 2023-12-12. Review status: criteria provided, single submitter. Criteria: Invitae Variant Classification Sherloc (09022015). Collection method: clinical testing. Allele origin: germline.
Comment: This sequence change replaces lysine, which is basic and polar, with arginine, which is basic and polar, at codon 876 of the WFS1 protein (p.Lys876Arg). This variant is present in population databases (rs144900514, gnomAD 0.01%). This variant has not been reported in the literature in individuals affected with WFS1-related conditions. Advanced modeling of protein sequence and biophysical properties (such as structural, functional, and spatial information, amino acid conservation, physicochemical variation, residue mobility, and thermodynamic stability) performed at Invitae indicates that this missense variant is not expected to disrupt WFS1 protein function with a negative predictive value of 95%. Algorithms developed to predict the effect of sequence changes on RNA splicing suggest that this variant may create or strengthen a splice site. In summary, the available evidence is currently insufficient to determine the role of this variant in disease. Therefore, it has been classified as a Variant of Uncertain Significance.